The following is an entry in ClinVar:

NM_000548.5(TSC2):c.336+5G>C

Gene: TSC2 (TSC complex subunit 2; plus strand). Cytogenetic location: 16p13.3.
Variant type: single nucleotide variant.
Coding change: c.336+5G>C on transcript NM_000548.5 (MANE Select); 5 bases into the intron after coding-DNA position 336, G replaced by C.
Molecular consequence: intron variant.
Genome position (GRCh38, 1-based): chr16:2,053,457, G>C. VCF-style: chr16-2053457-G-C. GRCh37 (hg19) VCF-style: chr16-2103458-G-C.
Other names: c.336+5G>C (NM_001114382.3, NM_021055.3, NM_001370405.1 and 3 more transcripts); c.226-839G>C (NM_001318827.2); c.-1-2739G>C (NM_001318831.2); c.189+5G>C (NM_001318829.2); c.369+5G>C (NM_001318832.2).
Identifiers: ClinVar variation 388832 (VCV000388832.16), dbSNP rs1057523242, ClinGen allele CA16607137.

ClinVar aggregate classification (germline): Pathogenic/Likely pathogenic. Review status: criteria provided, multiple submitters, no conflicts (2 of 4 stars). 3 submissions from 3 submitters: Pathogenic (1); Likely pathogenic (2). Last evaluated 2021-11-07.

Conditions:
Tuberous sclerosis 2 (TSC2). Identifiers: Orphanet 805, MedGen C1860707, MONDO:0013199, OMIM 613254.

Submissions (3):

Genome-Nilou Lab
Classification: Likely pathogenic for Tuberous sclerosis 2. Last evaluated: 2021-11-07. Review status: criteria provided, single submitter. Criteria: ACMG Guidelines, 2015. Collection method: clinical testing. Allele origin: germline. Affected: no.

GeneDx
Classification: Likely pathogenic. Last evaluated: 2019-03-20. Review status: criteria provided, single submitter. Criteria: GeneDx Variant Classification Process June 2021. Collection method: clinical testing. Allele origin: germline. Affected: yes.
Comment: Identified in an individual with tuberous sclerosis complex and inherited from an unaffected parent (Lee et al., 2014); Not observed in large population cohorts (Lek et al., 2016); In silico analysis, which includes splice predictors and evolutionary conservation, suggests this variant may impact gene splicing. In the absence of RNA/functional studies, the actual effect of this sequence change is unknown.; This variant is associated with the following publications: (PMID: 25498131)

Labcorp Genetics (formerly Invitae), Labcorp
Classification: Pathogenic for Tuberous sclerosis 2. Last evaluated: 2019-01-09. Review status: criteria provided, single submitter. Criteria: Invitae Variant Classification Sherloc (09022015). Collection method: clinical testing. Allele origin: germline.
Comment: For these reasons, this variant has been classified as Pathogenic. Nucleotide substitutions within the consensus splice site are a relatively common cause of aberrant splicing (PMID: 17576681, 9536098). Algorithms developed to predict the effect of sequence changes on RNA splicing suggest that this variant is not likely to affect RNA splicing, but this prediction has not been confirmed by published transcriptional studies. This variant has also been reported in an individual affected with tuberous sclerosis complex whom inherited the variant from an unaffected parent in the Leiden Open-source Variation Database (PMID: 21520333). ClinVar contains an entry for this variant (Variation ID: 388832). This variant is not present in population databases (ExAC no frequency). This sequence change falls in intron 4 of the TSC2 gene. It does not directly change the encoded amino acid sequence of the TSC2 protein, but it affects a nucleotide within the consensus splice site of the intron.

Literature cited by the submitters: PubMed 17576681 (cited by Labcorp Genetics (formerly Invitae), Labcorp); PubMed 9536098 (cited by Labcorp Genetics (formerly Invitae), Labcorp); PubMed 21520333 (cited by Labcorp Genetics (formerly Invitae), Labcorp).